The following is an entry in ClinVar:

ClinVar aggregate classification (germline): Uncertain significance (1 of 4 stars; one submission).

Allele frequency attached by ClinVar (database versions not stated): ExAC 0.00001; gnomAD exomes 0.00001.
gnomAD v4.1: 14 of 1,211,659 alleles (0.0012%); highest among the groups gnomAD compares: South Asian, 0.0035%; no homozygotes.

Submission:

Labcorp Genetics (formerly Invitae), Labcorp
Classification: Uncertain significance. Last evaluated: 2025-12-08. Review status: criteria provided, single submitter. Criteria: Invitae Variant Classification Sherloc (09022015). Collection method: clinical testing. Allele origin: germline.
Comment: This sequence change replaces valine, which is neutral and non-polar, with leucine, which is neutral and non-polar, at codon 1035 of the NEXMIF protein (p.Val1035Leu). This variant is present in population databases (rs769366421, gnomAD 0.005%), including at least one homozygous and/or hemizygous individual. This variant has not been reported in the literature in individuals affected with NEXMIF-related conditions. ClinVar contains an entry for this variant (Variation ID: 1905484). An algorithm developed to predict the effect of missense changes on protein structure and function (PolyPhen-2) suggests that this variant is likely to be disruptive. In summary, the available evidence is currently insufficient to determine the role of this variant in disease. Therefore, it has been classified as a Variant of Uncertain Significance.

NM_001008537.3(NEXMIF):c.3103G>T (p.Val1035Leu)

Gene: NEXMIF (neurite extension and migration factor; minus strand). Cytogenetic location: Xq13.3.
Variant type: single nucleotide variant.
Coding change: c.3103G>T on transcript NM_001008537.3 (MANE Select); coding-DNA position 3103, G replaced by T.
Protein change: p.Val1035Leu; replaces valine 1035 with leucine.
Molecular consequence: missense variant.
Genome position (GRCh38, 1-based): chrX:74,741,454, C>A on the plus strand (G>T on the coding strand, the complement: NEXMIF is on the minus strand). VCF-style: chrX-74741454-C-A. GRCh37 (hg19) VCF-style: chrX-73961289-C-A.
Other names: short protein forms V1035L.
Identifiers: ClinVar variation 1905484 (VCV001905484.5), dbSNP rs769366421, ClinGen allele CA10454973.